The following is an entry in ClinVar:

NM_006767.4(LZTR1):c.2374T>C (p.Cys792Arg)

Gene: LZTR1 (leucine zipper like post translational regulator 1; plus strand). Cytogenetic location: 22q11.21.
Variant type: single nucleotide variant.
Coding change: c.2374T>C on transcript NM_006767.4 (MANE Select); coding-DNA position 2374, T replaced by C.
Protein change: p.Cys792Arg; replaces cysteine 792 with arginine.
Molecular consequence: missense variant.
Genome position (GRCh38, 1-based): chr22:20,996,934, T>C. VCF-style: chr22-20996934-T-C. GRCh37 (hg19) VCF-style: chr22-21351223-T-C.
Other names: short protein forms C792R.
Identifiers: ClinVar variation 1790341 (VCV001790341.8), dbSNP rs2518626095, ClinGen allele CA410781099.

ClinVar aggregate classification (germline): Uncertain significance. Review status: criteria provided, multiple submitters, no conflicts (2 of 4 stars). 2 submissions from 2 submitters: Uncertain significance (2). Last evaluated 2025-12-26.

Conditions:
Hereditary cancer-predisposing syndrome. Also called: Hereditary Cancer Syndrome; Hereditary neoplastic syndrome; Tumor predisposition; Neoplastic Syndromes, Hereditary. Identifiers: Orphanet 140162, MedGen C0027672, MeSH D009386, MONDO:0015356.
Cardiovascular phenotype. Identifiers: MedGen CN230736.

Allele frequency attached by ClinVar (database versions not stated): gnomAD exomes 0.00001.
gnomAD v4.1: 3 of 1,613,674 alleles (0.00019%); highest among the groups gnomAD compares: Non-Finnish European, 0.00025%; no homozygotes.

Submissions (2):

Labcorp Genetics (formerly Invitae), Labcorp
Classification: Uncertain significance. Last evaluated: 2025-12-26. Review status: criteria provided, single submitter. Criteria: Invitae Variant Classification Sherloc (09022015). Collection method: clinical testing. Allele origin: germline.
Comment: This sequence change replaces cysteine, which is neutral and slightly polar, with arginine, which is basic and polar, at codon 792 of the LZTR1 protein (p.Cys792Arg). This variant is not present in population databases (gnomAD no frequency). This variant has not been reported in the literature in individuals affected with LZTR1-related conditions. ClinVar contains an entry for this variant (Variation ID: 1790341). Invitae Evidence Modeling of protein sequence and biophysical properties (such as structural, functional, and spatial information, amino acid conservation, physicochemical variation, residue mobility, and thermodynamic stability) indicates that this missense variant is not expected to disrupt LZTR1 protein function with a negative predictive value of 80%. In summary, the available evidence is currently insufficient to determine the role of this variant in disease. Therefore, it has been classified as a Variant of Uncertain Significance.

Ambry Genetics
Classification: Uncertain significance for Cardiovascular phenotype; Hereditary cancer-predisposing syndrome. Last evaluated: 2025-06-28. Review status: criteria provided, single submitter. Criteria: Ambry Variant Classification Scheme 2023. Collection method: clinical testing. Allele origin: germline.
Comment: The p.C792R variant (also known as c.2374T>C), located in coding exon 20 of the LZTR1 gene, results from a T to C substitution at nucleotide position 2374. The cysteine at codon 792 is replaced by arginine, an amino acid with highly dissimilar properties. This amino acid position is highly conserved in available vertebrate species. In addition, this alteration is predicted to be deleterious by in silico analysis. Since supporting evidence is limited at this time, the clinical significance of this alteration remains unclear.